The following is an entry in ClinVar:

ClinVar aggregate classification (germline): Uncertain significance. Review status: criteria provided, multiple submitters, no conflicts (2 of 4 stars). 3 submissions from 3 submitters: Uncertain significance (3). Last evaluated 2026-02-09.

Conditions:
Emery-Dreifuss muscular dystrophy 5, autosomal dominant (EDMD5). Also called: EMERY-DREIFUSS MUSCULAR DYSTROPHY 5. Identifiers: Orphanet 261, MedGen C2751805, MONDO:0013072, OMIM 612999.

Allele frequency attached by ClinVar (database versions not stated): 1000 Genomes Project 0.00040; 1000 Genomes Project 30x 0.00094.
gnomAD v4.1: 33 of 1,613,976 alleles (0.002%); highest among the groups gnomAD compares: African/African-American, 0.035%; no homozygotes.

Submissions (3):

Women's Health and Genetics/Laboratory Corporation of America, LabCorp
Classification: Uncertain significance. Last evaluated: 2026-02-09. Review status: criteria provided, single submitter. Criteria: LabCorp Variant Classification Summary - May 2015. Collection method: clinical testing. Allele origin: germline.
Comment: Variant summary: SYNE2 c.16924T>C (p.Ser5642Pro) results in a non-conservative amino acid change in the encoded protein sequence. Algorithms developed to predict the effect of missense changes on protein structure and function are either unavailable or do not agree on the potential impact of this missense change. The variant allele was found at a frequency of 2.8e-05 in 251308 control chromosomes. The available data on variant occurrences in the general population are insufficient to allow any conclusion about variant significance. To our knowledge, no occurrence of c.16924T>C in individuals affected with SYNE2-related conditions and no experimental evidence demonstrating its impact on protein function have been reported. ClinVar contains an entry for this variant (Variation ID: 1050876). Based on the evidence outlined above, the variant was classified as uncertain significance.

Ambry Genetics
Classification: Uncertain significance. Last evaluated: 2023-08-19. Review status: criteria provided, single submitter. Criteria: Ambry Variant Classification Scheme 2023. Collection method: clinical testing. Allele origin: germline.

Labcorp Genetics (formerly Invitae), Labcorp
Classification: Uncertain significance for Emery-Dreifuss muscular dystrophy 5, autosomal dominant. Last evaluated: 2021-12-01. Review status: criteria provided, single submitter. Criteria: Invitae Variant Classification Sherloc (09022015). Collection method: clinical testing. Allele origin: germline.
Comment: This sequence change replaces serine, which is neutral and polar, with proline, which is neutral and non-polar, at codon 5642 of the SYNE2 protein (p.Ser5642Pro). This variant is present in population databases (rs145661639, gnomAD 0.04%), and has an allele count higher than expected for a pathogenic variant. This variant has not been reported in the literature in individuals affected with SYNE2-related conditions. ClinVar contains an entry for this variant (Variation ID: 1050876). Algorithms developed to predict the effect of missense changes on protein structure and function are either unavailable or do not agree on the potential impact of this missense change (SIFT: "Deleterious"; PolyPhen-2: "Probably Damaging"; Align-GVGD: "Class C0"). In summary, the available evidence is currently insufficient to determine the role of this variant in disease. Therefore, it has been classified as a Variant of Uncertain Significance.

NM_182914.3(SYNE2):c.16924T>C (p.Ser5642Pro)

Gene: SYNE2 (spectrin repeat containing nuclear envelope protein 2; plus strand). Cytogenetic location: 14q23.2.
Variant type: single nucleotide variant.
Coding change: c.16924T>C on transcript NM_182914.3 (MANE Select); coding-DNA position 16924, T replaced by C.
Protein change: p.Ser5642Pro; replaces serine 5642 with proline.
Molecular consequence: missense variant.
Genome position (GRCh38, 1-based): chr14:64,168,895, T>C. VCF-style: chr14-64168895-T-C. GRCh37 (hg19) VCF-style: chr14-64635613-T-C.
Other names: c.16924T>C, p.Ser5642Pro (NM_015180.6); c.16924T>C (NM_182914.2); short protein forms S5642P.
Identifiers: ClinVar variation 1050876 (VCV001050876.5), dbSNP rs145661639, ClinGen allele CA7223544.